The following is an entry in ClinVar:

ClinVar aggregate classification (germline): Conflicting classifications of pathogenicity. Review status: criteria provided, conflicting classifications (1 of 4 stars). 2 submissions from 2 submitters: Uncertain significance (1); Likely benign (1). Last evaluated 2024-10-28.

Allele frequency attached by ClinVar (database versions not stated): gnomAD exomes 0.00001; ExAC 0.00003.
gnomAD v4.1: 6 of 1,613,908 alleles (0.00037%); highest among the groups gnomAD compares: Admixed American, 0.01%; no homozygotes.

Submissions (2):

Labcorp Genetics (formerly Invitae), Labcorp
Classification: Likely benign. Last evaluated: 2024-10-28. Review status: criteria provided, single submitter. Criteria: Invitae Variant Classification Sherloc (09022015). Collection method: clinical testing. Allele origin: germline.

GeneDx
Classification: Uncertain significance. Last evaluated: 2023-11-03. Review status: criteria provided, single submitter. Criteria: GeneDx Variant Classification Process June 2021. Collection method: clinical testing. Allele origin: germline. Affected: yes.
Comment: In silico analysis supports that this missense variant does not alter protein structure/function; Has not been previously published as pathogenic or benign to our knowledge

NM_032119.4(ADGRV1):c.14334C>A (p.Asn4778Lys)

Gene: ADGRV1 (adhesion G protein-coupled receptor V1; plus strand). Cytogenetic location: 5q14.3.
Variant type: single nucleotide variant.
Coding change: c.14334C>A on transcript NM_032119.4 (MANE Select); coding-DNA position 14334, C replaced by A.
Protein change: p.Asn4778Lys; replaces asparagine 4778 with lysine.
Molecular consequence: missense variant. On other transcripts: non-coding transcript variant (1).
Genome position (GRCh38, 1-based): chr5:90,791,163, C>A. VCF-style: chr5-90791163-C-A. GRCh37 (hg19) VCF-style: chr5-90086980-C-A.
Other names: c.14334C>A (NM_032119.3); short protein forms N4778K.
Identifiers: ClinVar variation 2907395 (VCV002907395.4), dbSNP rs762273997, ClinGen allele CA3341709.